The following is an entry in ClinVar:

NM_001267550.2(TTN):c.11312-4013G>A

Gene: TTN (titin; minus strand). Cytogenetic location: 2q31.2.
Variant type: single nucleotide variant.
Coding change: c.11312-4013G>A on transcript NM_001267550.2 (MANE Select); 4013 bases into the intron before coding-DNA position 11312, G replaced by A.
Molecular consequence: intron variant. On other transcripts: missense variant (1).
Genome position (GRCh38, 1-based): chr2:178,745,934, C>T on the plus strand (G>A on the coding strand, the complement: TTN is on the minus strand). VCF-style: chr2-178745934-C-T. GRCh37 (hg19) VCF-style: chr2-179610661-C-T.
Other names: c.16466G>A, p.Ser5489Asn (NM_133379.5); c.10223-4013G>A (NM_003319.4); c.10799-4013G>A (NM_133437.4); c.10598-4013G>A (NM_133432.3); c.10360+7190G>A (NM_133378.4); c.10361-4013G>A (NM_001256850.1); short protein forms S5489N.
Identifiers: ClinVar variation 2651698 (VCV002651698.24), dbSNP rs2530989244, ClinGen allele CA349628483.

ClinVar aggregate classification (germline): Uncertain significance (1 of 4 stars; one submission).

Submission:

CeGaT Center for Human Genetics Tuebingen
Classification: Uncertain significance. Last evaluated: 2023-03-01. Review status: criteria provided, single submitter. Criteria: CeGaT Center For Human Genetics Tuebingen Variant Classification Criteria Version 2. Collection method: clinical testing. Allele origin: germline. Affected: yes. Observed: 1 variant allele.
Comment: TTN: PM2, BP4